The following is an entry in ClinVar:

ClinVar aggregate classification (germline): Uncertain significance (1 of 4 stars; one submission).

Submission:

Labcorp Genetics (formerly Invitae), Labcorp
Classification: Uncertain significance. Last evaluated: 2025-04-14. Review status: criteria provided, single submitter. Criteria: Invitae Variant Classification Sherloc (09022015). Collection method: clinical testing. Allele origin: germline.
Comment: This sequence change replaces arginine, which is basic and polar, with glycine, which is neutral and non-polar, at codon 389 of the HEPACAM protein (p.Arg389Gly). Information on the frequency of this variant in the gnomAD database is not available, as this variant may be reported differently in the database. This variant has not been reported in the literature in individuals affected with HEPACAM-related conditions. ClinVar contains an entry for this variant (Variation ID: 1450445). Experimental studies and prediction algorithms are not available or were not evaluated, and the functional significance of this variant is currently unknown. In summary, the available evidence is currently insufficient to determine the role of this variant in disease. Therefore, it has been classified as a Variant of Uncertain Significance.

NM_152722.5(HEPACAM):c.1164_1165delinsAG (p.Arg389Gly)

Gene: HEPACAM (hepatic and glial cell adhesion molecule; minus strand). Cytogenetic location: 11q24.2.
Variant type: Indel.
Coding change: c.1164_1165delinsAG on transcript NM_152722.5 (MANE Select); coding-DNA positions 1164 to 1165, GC replaced by AG.
Protein change: p.Arg389Gly; replaces arginine 389 with glycine.
Molecular consequence: missense variant.
Genome position (GRCh38, 1-based): chr11:124,921,224-124,921,225, GC replaced by CT on the plus strand (GC replaced by AG on the coding strand, the reverse complement: HEPACAM is on the minus strand). VCF-style: chr11-124921224-GC-CT. GRCh37 (hg19) VCF-style: chr11-124791120-GC-CT.
Other names: short protein forms R389G.
Identifiers: ClinVar variation 1450445 (VCV001450445.7), dbSNP rs2135395827, ClinGen allele CA2573147042.